The following is an entry in ClinVar:

NM_133433.4(NIPBL):c.4335T>G (p.Tyr1445Ter)

Gene: NIPBL (NIPBL cohesin loading factor; plus strand). Cytogenetic location: 5p13.2.
Variant type: single nucleotide variant.
Coding change: c.4335T>G on transcript NM_133433.4 (MANE Select); coding-DNA position 4335, T replaced by G.
Protein change: p.Tyr1445Ter; replaces tyrosine 1445 with a stop codon.
Molecular consequence: nonsense.
Genome position (GRCh38, 1-based): chr5:37,008,637, T>G. VCF-style: chr5-37008637-T-G. GRCh37 (hg19) VCF-style: chr5-37008739-T-G.
Other names: c.4335T>G, p.Tyr1445Ter (NM_015384.5); short protein forms Y1445*.
Identifiers: ClinVar variation 1076020 (VCV001076020.7), dbSNP rs767317539, ClinGen allele CA359526703.
Genomic context (GRCh38, chr5:37,008,637, plus strand): 5'-GTTTTCTATTATAAGTTTAACTTGGAATCTTATAATTACTAAACAGGTATTCTCAAGATA[T>G]GAAAAACATAGGCAGTTAATTTTGGAAGAAATTTTTACTTCACTTGCAAGATTACCAACC-3'

ClinVar aggregate classification (germline): Pathogenic (1 of 4 stars; one submission).

Conditions:
Cornelia de Lange syndrome 1 (CDLS1). Also called: TYPUS DEGENERATIVUS AMSTELODAMENSIS; Brachmann de Lange syndrome; NIPBL-Related Cornelia de Lange Syndrome. Identifiers: Orphanet 199, MedGen C4551851, MONDO:0007387, OMIM 122470.

Submission:

Labcorp Genetics (formerly Invitae), Labcorp
Classification: Pathogenic for Cornelia de Lange syndrome 1. Last evaluated: 2020-09-24. Review status: criteria provided, single submitter. Criteria: Invitae Variant Classification Sherloc (09022015). Collection method: clinical testing. Allele origin: germline.
Comment: For these reasons, this variant has been classified as Pathogenic. Loss-of-function variants in NIPBL are known to be pathogenic (PMID: 15318302, 19763162, 23505322, 29995837). This variant has not been reported in the literature in individuals with NIPBL-related conditions. This variant is not present in population databases (ExAC no frequency). This sequence change creates a premature translational stop signal (p.Tyr1445*) in the NIPBL gene. It is expected to result in an absent or disrupted protein product.

Literature cited by the submitters: PubMed 15318302; PubMed 19763162; PubMed 23505322; PubMed 29995837.